The following is an entry in ClinVar:

NM_000553.6(WRN):c.3288del (p.Glu1097fs)

Gene: WRN (WRN RecQ like helicase; plus strand). Cytogenetic location: 8p12.
Variant type: Deletion.
Coding change: c.3288del on transcript NM_000553.6 (MANE Select); coding-DNA position 3288, one base deleted (T; older notation c.3288delT).
Protein change: p.Glu1097fs; shifts the reading frame from glutamic acid 1097.
Molecular consequence: frameshift variant.
Genome position (GRCh38, 1-based): chr8:31,142,680, T deleted; the last of 2 consecutive T bases (chr8:31,142,679-31,142,680); deleting either gives the same sequence. VCF-style (leftmost placement, unchanged base first): chr8-31142678-GT-G. GRCh37 (hg19) VCF-style: chr8-31000194-GT-G.
Other names: short protein forms E1097fs.
Identifiers: ClinVar variation 1074089 (VCV001074089.5), dbSNP rs2130422216, ClinGen allele CA2499219268.

ClinVar aggregate classification (germline): Pathogenic (1 of 4 stars; one submission).

Conditions:
Werner syndrome (WRN). Identifiers: Orphanet 902, MedGen C0043119, MONDO:0010196, OMIM 277700.

Submission:

Labcorp Genetics (formerly Invitae), Labcorp
Classification: Pathogenic for Werner syndrome. Last evaluated: 2020-09-24. Review status: criteria provided, single submitter. Criteria: Invitae Variant Classification Sherloc (09022015). Collection method: clinical testing. Allele origin: germline.
Comment: For these reasons, this variant has been classified as Pathogenic. Loss-of-function variants in WRN are known to be pathogenic (PMID: 16673358). This variant has not been reported in the literature in individuals with WRN-related conditions. This variant is not present in population databases (ExAC no frequency). This sequence change creates a premature translational stop signal (p.Glu1097Asnfs*2) in the WRN gene. It is expected to result in an absent or disrupted protein product.

Literature cited by the submitters: PubMed 16673358.